The following is an entry in ClinVar:

ClinVar aggregate classification (germline): Pathogenic (1 of 4 stars; one submission).

Submission:

GeneDx
Classification: Pathogenic. Last evaluated: 2025-08-22. Review status: criteria provided, single submitter. Criteria: GeneDx Variant Classification Process June 2021. Collection method: clinical testing. Allele origin: germline. Affected: yes.
Comment: Frameshift variant predicted to result in protein truncation or nonsense mediated decay in a gene for which loss of function is a known mechanism of disease; Not observed at significant frequency in large population cohorts (gnomAD); Has not been previously published as pathogenic or benign to our knowledge

NM_004187.5(KDM5C):c.1775_1776del (p.Glu592fs)

Gene: KDM5C (lysine demethylase 5C; minus strand). Cytogenetic location: Xp11.22.
Variant type: Microsatellite.
Coding change: c.1775_1776del on transcript NM_004187.5 (MANE Select); coding-DNA positions 1775 to 1776, 2 bases deleted (AG; older notation c.1775_1776delAG).
Protein change: p.Glu592fs; shifts the reading frame from glutamic acid 592.
Molecular consequence: frameshift variant. On other transcripts: non-coding transcript variant (3).
Genome position (GRCh38, 1-based): chrX:53,201,944-53,201,945, CT deleted on the plus strand (AG on the coding strand, the reverse complement: KDM5C is on the minus strand); deleting any 2 consecutive bases within chrX:53,201,944-53,201,948 gives the same sequence; the c. name uses the placement nearest the transcript's 3' end. VCF-style (leftmost placement, unchanged base first): chrX-53201943-ACT-A. GRCh37 (hg19) VCF-style: chrX-53231125-ACT-A.
Other names: c.1775_1776del (NM_004187.2); c.1574_1575del, p.Glu525fs (NM_001146702.2); c.1772_1773del, p.Glu591fs (NM_001282622.3, NM_001353979.2, NM_001353982.2); c.1775_1776del, p.Glu592fs (NM_001353978.3, NM_001353981.2, NM_001353984.2); c.1775_1776delAG (NM_004187.2); short protein forms E591fs, E592fs, E525fs.
Identifiers: ClinVar variation 504453 (VCV000504453.3), dbSNP rs1556842268, ClinGen allele CA658799757.
Genomic context (GRCh38, chrX:53,201,943, plus strand): 5'-CGGCAAAGTTGTAGCCTTGGTTGAAGCCGCTGTGGTAAGCACGGGGGAAGGTGATGACAA[ACT>A]CTCCTGCACACTGGTTTGTGCGGACAACCTGAAGAACACAAAAGGCCATGGCTGTTGAGA-3'